The following is an entry in ClinVar:

ClinVar aggregate classification (germline): Uncertain significance. Review status: criteria provided, multiple submitters, no conflicts (2 of 4 stars). 2 submissions from 2 submitters: Uncertain significance (2). Last evaluated 2025-02-20.

Conditions:
Inborn genetic diseases. Identifiers: MedGen C0950123, MeSH D030342.

gnomAD v4.1: 44 of 1,606,494 alleles (0.0027%); highest among the groups gnomAD compares: Middle Eastern, 0.016%; no homozygotes.

Submissions (2):

Ambry Genetics
Classification: Uncertain significance for Inborn genetic diseases. Last evaluated: 2025-02-20. Review status: criteria provided, single submitter. Criteria: Ambry Variant Classification Scheme 2023. Collection method: clinical testing. Allele origin: germline.

Labcorp Genetics (formerly Invitae), Labcorp
Classification: Uncertain significance. Last evaluated: 2022-07-24. Review status: criteria provided, single submitter. Criteria: Invitae Variant Classification Sherloc (09022015). Collection method: clinical testing. Allele origin: germline.
Comment: This sequence change replaces arginine, which is basic and polar, with glutamine, which is neutral and polar, at codon 882 of the MYO5B protein (p.Arg882Gln). This variant is present in population databases (rs752808273, gnomAD 0.005%). This variant has not been reported in the literature in individuals affected with MYO5B-related conditions. Algorithms developed to predict the effect of missense changes on protein structure and function output the following: SIFT: "Deleterious"; PolyPhen-2: "Benign"; Align-GVGD: "Class C0". The glutamine amino acid residue is found in multiple mammalian species, which suggests that this missense change does not adversely affect protein function. Algorithms developed to predict the effect of sequence changes on RNA splicing suggest that this variant may create or strengthen a splice site. In summary, the available evidence is currently insufficient to determine the role of this variant in disease. Therefore, it has been classified as a Variant of Uncertain Significance.

NM_001080467.3(MYO5B):c.2645G>A (p.Arg882Gln)

Gene: MYO5B (myosin VB; minus strand). Cytogenetic location: 18q21.1.
Variant type: single nucleotide variant.
Coding change: c.2645G>A on transcript NM_001080467.3 (MANE Select); coding-DNA position 2645, G replaced by A.
Protein change: p.Arg882Gln; replaces arginine 882 with glutamine.
Molecular consequence: missense variant.
Genome position (GRCh38, 1-based): chr18:49,902,760, C>T on the plus strand (G>A on the coding strand, the complement: MYO5B is on the minus strand). VCF-style: chr18-49902760-C-T. GRCh37 (hg19) VCF-style: chr18-47429130-C-T.
Other names: c.2645G>A (NM_001080467.2); short protein forms R882Q.
Identifiers: ClinVar variation 2155217 (VCV002155217.2), dbSNP rs752808273, ClinGen allele CA8960984.